The following is an entry in ClinVar:

ClinVar aggregate classification (germline): Uncertain significance (1 of 4 stars; one submission).

Submission:

GeneDx
Classification: Uncertain significance. Last evaluated: 2023-11-29. Review status: criteria provided, single submitter. Criteria: GeneDx Variant Classification Process June 2021. Collection method: clinical testing. Allele origin: germline. Affected: yes.
Comment: Not observed at significant frequency in large population cohorts (gnomAD); In silico analysis supports that this missense variant does not alter protein structure/function; Has not been previously published as pathogenic or benign to our knowledge

NM_016284.5(CNOT1):c.6685C>T (p.His2229Tyr)

Gene: CNOT1 (CCR4-NOT transcription complex subunit 1; minus strand). Cytogenetic location: 16q21.
Variant type: single nucleotide variant.
Coding change: c.6685C>T on transcript NM_016284.5 (MANE Select); coding-DNA position 6685, C replaced by T.
Protein change: p.His2229Tyr; replaces histidine 2229 with tyrosine.
Molecular consequence: missense variant. On other transcripts: non-coding transcript variant (1).
Genome position (GRCh38, 1-based): chr16:58,525,278, G>A on the plus strand (C>T on the coding strand, the complement: CNOT1 is on the minus strand). VCF-style: chr16-58525278-G-A. GRCh37 (hg19) VCF-style: chr16-58559182-G-A.
Other names: c.6670C>T, p.His2224Tyr (NM_001265612.2); short protein forms H2224Y, H2229Y.
Identifiers: ClinVar variation 3363783 (VCV003363783.1).